The following is an entry in ClinVar:

ClinVar aggregate classification (germline): Uncertain significance. Review status: criteria provided, multiple submitters, no conflicts (2 of 4 stars). 3 submissions from 3 submitters: Uncertain significance (3). Last evaluated 2022-04-13.

Conditions:
Inborn genetic diseases. Identifiers: MedGen C0950123, MeSH D030342.
Developmental and epileptic encephalopathy, 53. Also called: Epileptic encephalopathy, early infantile, 53. Identifiers: MedGen C4479313, MONDO:0033362, OMIM 617389.
Early-onset Parkinson disease 20. Also called: PARKINSON DISEASE 20, AUTOSOMAL RECESSIVE EARLY-ONSET. Identifiers: Orphanet 391411, MedGen C3809824, MONDO:0014233, OMIM 615530.

Allele frequency attached by ClinVar (database versions not stated): TOPMed 0.00002; gnomAD 0.00006.
gnomAD v4.1: 50 of 1,613,940 alleles (0.0031%); highest among the groups gnomAD compares: Non-Finnish European, 0.0036%; no homozygotes.

Submissions (3):

Labcorp Genetics (formerly Invitae), Labcorp
Classification: Uncertain significance for Developmental and epileptic encephalopathy, 53; Early-onset Parkinson disease 20. Last evaluated: 2022-04-13. Review status: criteria provided, single submitter. Criteria: Invitae Variant Classification Sherloc (09022015). Collection method: clinical testing. Allele origin: germline.
Comment: This sequence change replaces arginine, which is basic and polar, with leucine, which is neutral and non-polar, at codon 1429 of the SYNJ1 protein (p.Arg1429Leu). This variant is present in population databases (rs112469776, gnomAD 0.006%). This variant has not been reported in the literature in individuals affected with SYNJ1-related conditions. ClinVar contains an entry for this variant (Variation ID: 655746). Algorithms developed to predict the effect of missense changes on protein structure and function (SIFT, PolyPhen-2, Align-GVGD) all suggest that this variant is likely to be tolerated. In summary, the available evidence is currently insufficient to determine the role of this variant in disease. Therefore, it has been classified as a Variant of Uncertain Significance.

Ambry Genetics
Classification: Uncertain significance for Inborn genetic diseases. Last evaluated: 2021-06-15. Review status: criteria provided, single submitter. Criteria: Ambry Variant Classification Scheme 2023. Collection method: clinical testing. Allele origin: germline.

Blueprint Genetics
Classification: Uncertain significance. Last evaluated: 2019-07-15. Review status: criteria provided, single submitter. Criteria: ACMG Guidelines, 2015. Collection method: clinical testing. Allele origin: germline.

NM_203446.3(SYNJ1):c.*257G>T

Gene: SYNJ1 (synaptojanin 1; minus strand). Cytogenetic location: 21q22.11.
Variant type: single nucleotide variant.
Coding change: c.*257G>T on transcript NM_203446.3 (MANE Select); 257 bases downstream of the stop codon, G replaced by T.
Molecular consequence: 3 prime UTR variant. On other transcripts: missense variant (2).
Genome position (GRCh38, 1-based): chr21:32,631,548, C>A on the plus strand (G>T on the coding strand, the complement: SYNJ1 is on the minus strand). VCF-style: chr21-32631548-C-A. GRCh37 (hg19) VCF-style: chr21-34003858-C-A.
Other names: c.*257G>T (NM_001160302.2); c.4028G>T, p.Arg1343Leu (NM_001160306.2); c.4286G>T, p.Arg1429Leu (NM_003895.4); short protein forms R1343L, R1429L.
Identifiers: ClinVar variation 655746 (VCV000655746.10), dbSNP rs112469776, ClinGen allele CA10003144.